The following is an entry in ClinVar:

ClinVar aggregate classification (germline): Uncertain significance. Review status: criteria provided, multiple submitters, no conflicts (2 of 4 stars). 4 submissions from 4 submitters: Uncertain significance (4). Last evaluated 2026-06-17.

Conditions:
MSH3-related disorder. Also called: MSH3-related condition.
Hereditary cancer-predisposing syndrome. Also called: Neoplastic Syndromes, Hereditary; Hereditary Cancer Syndrome; Tumor predisposition; Hereditary neoplastic syndrome. Identifiers: Orphanet 140162, MedGen C0027672, MeSH D009386, MONDO:0015356.

Allele frequency attached by ClinVar (database versions not stated): ExAC 0.00002; TOPMed 0.00002; gnomAD exomes 0.00003.
gnomAD v4.1: 49 of 1,614,102 alleles (0.003%); highest among the groups gnomAD compares: South Asian, 0.03%; no homozygotes.

Submissions (4):

PreventionGenetics, part of Exact Sciences
Classification: Uncertain significance for MSH3-related condition. Last evaluated: 2026-06-17. Review status: criteria provided, single submitter. Criteria: ACMG Guidelines, 2015. Collection method: clinical testing. Allele origin: germline.
Comment: The MSH3 c.1250G>A variant is predicted to result in the amino acid substitution p.Arg417Gln. To our knowledge, this variant has not been reported in the literature. This variant is reported in 0.026% of alleles in individuals of South Asian descent in gnomAD and has conflicting interpretations in ClinVar ranging from likely benign to uncertain (Variation ID: 859900). At this time, the clinical significance of this variant is uncertain due to the absence of conclusive functional and genetic evidence.

Labcorp Genetics (formerly Invitae), Labcorp
Classification: Uncertain significance. Last evaluated: 2026-02-02. Review status: criteria provided, single submitter. Criteria: Invitae Variant Classification Sherloc (09022015). Collection method: clinical testing. Allele origin: germline.
Comment: This sequence change replaces arginine, which is basic and polar, with glutamine, which is neutral and polar, at codon 417 of the MSH3 protein (p.Arg417Gln). This variant is present in population databases (rs778162840, gnomAD 0.03%). This variant has not been reported in the literature in individuals affected with MSH3-related conditions. ClinVar contains an entry for this variant (Variation ID: 859900). An algorithm developed to predict the effect of missense changes on protein structure and function (PolyPhen-2) suggests that this variant is likely to be disruptive. In summary, the available evidence is currently insufficient to determine the role of this variant in disease. Therefore, it has been classified as a Variant of Uncertain Significance.

Ambry Genetics
Classification: Uncertain significance for Hereditary cancer-predisposing syndrome. Last evaluated: 2025-12-09. Review status: criteria provided, single submitter. Criteria: Ambry Variant Classification Scheme 2023. Collection method: clinical testing. Allele origin: germline.

GeneDx
Classification: Uncertain significance. Last evaluated: 2023-03-02. Review status: criteria provided, single submitter. Criteria: GeneDx Variant Classification Process June 2021. Collection method: clinical testing. Allele origin: germline. Affected: yes.
Comment: In silico analysis supports that this missense variant has a deleterious effect on protein structure/function; Has not been previously published as pathogenic or benign to our knowledge

NM_002439.5(MSH3):c.1250G>A (p.Arg417Gln)

Gene: MSH3 (mutS homolog 3; plus strand). Cytogenetic location: 5q14.1.
Variant type: single nucleotide variant.
Coding change: c.1250G>A on transcript NM_002439.5 (MANE Select); coding-DNA position 1250, G replaced by A.
Protein change: p.Arg417Gln; replaces arginine 417 with glutamine.
Molecular consequence: missense variant.
Genome position (GRCh38, 1-based): chr5:80,679,003, G>A. VCF-style: chr5-80679003-G-A. GRCh37 (hg19) VCF-style: chr5-79974822-G-A.
Other names: short protein forms R417Q.
Identifiers: ClinVar variation 859900 (VCV000859900.10), dbSNP rs778162840, ClinGen allele CA3327840.
Genomic context (GRCh38, chr5:80,679,003, plus strand): 5'-CAGGCGAGGTTGTGTTTGATAGTTTCCAGGACTCTGCTTCTCGTTCAGAGCTAGAAACCC[G>A]GATGTCAAGCCTGCAGCCAGTAGAGCTGCTGCTTCCTTCGGCCTTGTCCGAGCAAACAGA-3'
Protein context (NP_002430.3, residues 407-427): DSASRSELET[Arg417Gln]MSSLQPVELL